The following is an entry in ClinVar:

NM_001005242.3(PKP2):c.1297G>A (p.Val433Met)

Gene: PKP2 (plakophilin 2; minus strand). Cytogenetic location: 12p11.21.
Variant type: single nucleotide variant.
Coding change: c.1297G>A on transcript NM_001005242.3 (MANE Select); coding-DNA position 1297, G replaced by A.
Protein change: p.Val433Met; replaces valine 433 with methionine.
Molecular consequence: missense variant.
Genome position (GRCh38, 1-based): chr12:32,850,847, C>T on the plus strand (G>A on the coding strand, the complement: PKP2 is on the minus strand). VCF-style: chr12-32850847-C-T. GRCh37 (hg19) VCF-style: chr12-33003781-C-T.
Other names: c.1297G>A, p.Val433Met (NM_001407155.1, NM_001407156.1, NM_001407157.1 and 2 more transcripts); c.970G>A, p.Val324Met (NM_001407158.1, NM_001407159.1, NM_001407160.1 and 1 more transcripts); short protein forms V324M, V433M.
Identifiers: ClinVar variation 2415971 (VCV002415971.6), dbSNP rs2541286205, ClinGen allele CA384370043.

ClinVar aggregate classification (germline): Uncertain significance (1 of 4 stars; one submission).

Conditions:
Arrhythmogenic right ventricular dysplasia 9 (ARVD9). Also called: Arrhythmogenic Right Ventricular Dysplasia/Cardiomyopathy 9; ARRHYTHMOGENIC RIGHT VENTRICULAR DYSPLASIA, FAMILIAL, 9. Identifiers: MedGen C1836906, MONDO:0012180, OMIM 609040.

Submission:

Labcorp Genetics (formerly Invitae), Labcorp
Classification: Uncertain significance for Arrhythmogenic right ventricular dysplasia 9. Last evaluated: 2021-12-09. Review status: criteria provided, single submitter. Criteria: Invitae Variant Classification Sherloc (09022015). Collection method: clinical testing. Allele origin: germline.
Comment: In summary, the available evidence is currently insufficient to determine the role of this variant in disease. Therefore, it has been classified as a Variant of Uncertain Significance. Algorithms developed to predict the effect of missense changes on protein structure and function are either unavailable or do not agree on the potential impact of this missense change (SIFT: "Deleterious"; PolyPhen-2: "Probably Damaging"; Align-GVGD: "Class C15"). This variant has not been reported in the literature in individuals affected with PKP2-related conditions. This variant is not present in population databases (gnomAD no frequency). This sequence change replaces valine, which is neutral and non-polar, with methionine, which is neutral and non-polar, at codon 433 of the PKP2 protein (p.Val433Met).